The following is an entry in ClinVar:

ClinVar aggregate classification (germline): Conflicting classifications of pathogenicity. Review status: criteria provided, conflicting classifications (1 of 4 stars). 5 submissions from 5 submitters: Uncertain significance (3); Likely benign (2). Last evaluated 2025-10-01.

Conditions:
Pyogenic arthritis-pyoderma gangrenosum-acne syndrome (PAPA). Also called: PAPA SYNDROME; FAMILIAL RECURRENT ARTHRITIS. Identifiers: Orphanet 69126, MedGen C1858361, MONDO:0011462, OMIM 604416.
Autoinflammatory syndrome. Identifiers: Orphanet 93665, MedGen C3890737, MONDO:0019751.

Allele frequency attached by ClinVar (database versions not stated): gnomAD 0.00005 and 0.00006; gnomAD exomes 0.00006 and 0.00011; TOPMed 0.00006; ExAC 0.00012.
gnomAD v4.1: 101 of 1,611,014 alleles (0.0063%); highest among the groups gnomAD compares: South Asian, 0.057%; 1 homozygote.

Submissions (5):

CeGaT Center for Human Genetics Tuebingen
Classification: Likely benign. Last evaluated: 2025-10-01. Review status: criteria provided, single submitter. Criteria: CeGaT Center For Human Genetics Tuebingen Variant Classification Criteria Version 2. Collection method: clinical testing. Allele origin: germline. Affected: yes. Observed: 2 variant alleles.
Comment: PSTPIP1: BP4, BS2

Labcorp Genetics (formerly Invitae), Labcorp
Classification: Likely benign for Pyogenic arthritis-pyoderma gangrenosum-acne syndrome. Last evaluated: 2025-09-15. Review status: criteria provided, single submitter. Criteria: Invitae Variant Classification Sherloc (09022015). Collection method: clinical testing. Allele origin: germline.

ARUP Laboratories, Molecular Genetics and Genomics, ARUP Laboratories
Classification: Uncertain significance. Last evaluated: 2025-04-18. Review status: criteria provided, single submitter. Criteria: ARUP Molecular Germline Variant Investigation Process 2024. Collection method: clinical testing. Allele origin: germline.
Comment: The PSTPIP1 c.1222G>A; p.Val408Ile variant (rs750572947), to our knowledge, is not reported in the medical literature but is reported in ClinVar (Variation ID: 429683). This variant is found in the general population with an overall allele frequency of 0.01% (30/276,300 alleles, including a single homozygote) in the Genome Aggregation Database (v2.1.1). Computational analyses are uncertain whether this variant is neutral or deleterious (REVEL: 0.151). Due to limited information, the clinical significance of this variant is uncertain at this time.

GeneDx
Classification: Uncertain significance. Last evaluated: 2017-05-08. Review status: criteria provided, single submitter. Criteria: GeneDx Variant Classification (06012015). Collection method: clinical testing. Allele origin: germline. Affected: yes.
Comment: The V408I variant has not been published as a pathogenic variant, nor has it been reported as a benign variant to our knowledge. The variant is observed in 8/14702 (0.054%) alleles from individuals of South Asian background in the ExAC dataset (Lek et al., 2016). V408I is a conservative amino acid substitution, which is not likely to impact secondary protein structure as these residues share similar properties. However, this substitution occurs at a position that is conserved across species. In silico analysis is inconsistent in its predictions as to whether or not the variant is damaging to the protein structure/function. In summary, based on the currently available information, it is unclear whether this variant is a pathogenic variant or a rare benign variant.

Genome Diagnostics Laboratory, The Hospital for Sick Children
Classification: Uncertain significance for Autoinflammatory syndrome. Last evaluated: 2016-12-12. Review status: criteria provided, single submitter. Criteria: ACMG Guidelines, 2015. Collection method: clinical testing. Allele origin: germline. Affected: yes.

NM_003978.5(PSTPIP1):c.1222G>A (p.Val408Ile)

Gene: PSTPIP1 (proline-serine-threonine phosphatase interacting protein 1; plus strand). Cytogenetic location: 15q24.3.
Variant type: single nucleotide variant.
Coding change: c.1222G>A on transcript NM_003978.5 (MANE Select); coding-DNA position 1222, G replaced by A.
Protein change: p.Val408Ile; replaces valine 408 with isoleucine.
Molecular consequence: missense variant. On other transcripts: non-coding transcript variant (1).
Genome position (GRCh38, 1-based): chr15:77,037,147, G>A. VCF-style: chr15-77037147-G-A. GRCh37 (hg19) VCF-style: chr15-77329488-G-A.
Other names: c.1165G>A, p.Val389Ile (NM_001321135.2); c.1195G>A, p.Val399Ile (NM_001321136.2); c.1417G>A, p.Val473Ile (NM_001321137.1); short protein forms V408I, V399I, V389I, V473I.
Identifiers: ClinVar variation 429683 (VCV000429683.21), dbSNP rs750572947, ClinGen allele CA7676233.